The following is an entry in ClinVar:

ClinVar aggregate classification (germline): Uncertain significance (1 of 4 stars; one submission).

gnomAD v4.1: 7 of 1,611,726 alleles (0.00043%); highest among the groups gnomAD compares: Non-Finnish European, 0.00059%; no homozygotes.

Submission:

Labcorp Genetics (formerly Invitae), Labcorp
Classification: Uncertain significance. Last evaluated: 2025-07-10. Review status: criteria provided, single submitter. Criteria: Invitae Variant Classification Sherloc (09022015). Collection method: clinical testing. Allele origin: germline.
Comment: This sequence change replaces cysteine, which is neutral and slightly polar, with serine, which is neutral and polar, at codon 1609 of the LRP6 protein (p.Cys1609Ser). This variant is present in population databases (rs145105792, gnomAD 0.0009%). This variant has not been reported in the literature in individuals affected with LRP6-related conditions. An algorithm developed to predict the effect of missense changes on protein structure and function (PolyPhen-2) suggests that this variant is likely to be tolerated. In summary, the available evidence is currently insufficient to determine the role of this variant in disease. Therefore, it has been classified as a Variant of Uncertain Significance.

NM_002336.3(LRP6):c.4826G>C (p.Cys1609Ser)

Gene: LRP6 (LDL receptor related protein 6; minus strand). Cytogenetic location: 12p13.2.
Variant type: single nucleotide variant.
Coding change: c.4826G>C on transcript NM_002336.3 (MANE Select); coding-DNA position 4826, G replaced by C.
Protein change: p.Cys1609Ser; replaces cysteine 1609 with serine.
Molecular consequence: missense variant. On other transcripts: 3 prime UTR variant (1), non-coding transcript variant (1).
Genome position (GRCh38, 1-based): chr12:12,121,142, C>G on the plus strand (G>C on the coding strand, the complement: LRP6 is on the minus strand). VCF-style: chr12-12121142-C-G. GRCh37 (hg19) VCF-style: chr12-12274076-C-G.
Other names: c.4919G>C, p.Cys1640Ser (NM_001414244.1); c.4826G>C, p.Cys1609Ser (NM_001414245.1); c.4691G>C, p.Cys1564Ser (NM_001414246.1); c.4628G>C, p.Cys1543Ser (NM_001414247.1); c.*302G>C (NM_001414248.1); c.4463G>C, p.Cys1488Ser (NM_001414251.1); c.4373G>C, p.Cys1458Ser (NM_001414252.1, NM_001414253.1, NM_001414254.1); c.4319G>C, p.Cys1440Ser (NM_001414255.1); short protein forms C1609S, C1440S, C1458S, C1543S, C1488S, C1564S, C1640S.
Identifiers: ClinVar variation 4698667 (VCV004698667.1).